The following is an entry in ClinVar:

NM_001170629.2(CHD8):c.7620_7631dup (p.Asp2543_Glu2544insAspAspGluAsp)

Gene: CHD8 (chromodomain helicase DNA binding protein 8; minus strand). Cytogenetic location: 14q11.2.
Variant type: Duplication.
Coding change: c.7620_7631dup on transcript NM_001170629.2 (MANE Select); coding-DNA positions 7620 to 7631, 12 bases duplicated (CGATGAGGATGA).
Protein change: p.Asp2543_Glu2544insAspAspGluAsp.
Genome position (GRCh38, 1-based): chr14:21,385,728-21,385,739, TCATCCTCATCG duplicated on the plus strand (CGATGAGGATGA on the coding strand, the reverse complement: CHD8 is on the minus strand); duplicating any 12 consecutive bases within chr14:21,385,728-21,385,747 gives the same sequence; the c. name uses the placement nearest the transcript's 3' end. VCF-style (leftmost placement, unchanged base first): chr14-21385727-T-TTCATCCTCATCG. GRCh37 (hg19) VCF-style: chr14-21853886-T-TTCATCCTCATCG.
Other names: c.6783_6794dup, p.Asp2264_Glu2265insAspAspGluAsp (NM_020920.4).
Identifiers: ClinVar variation 2692370 (VCV002692370.3), dbSNP rs1887193020, ClinGen allele CA2697551968.

ClinVar aggregate classification (germline): Uncertain significance (1 of 4 stars; one submission).

Conditions:
Intellectual developmental disorder with autism and macrocephaly. Also called: Autism, susceptibility to, 18; CHD8-Related Neurodevelopmental Disorder with Overgrowth. Identifiers: Orphanet 642675, MedGen C3554373, MONDO:0014017, OMIM 615032.

Submission:

Institute of Human Genetics, University of Leipzig Medical Center
Classification: Uncertain significance for Intellectual developmental disorder with autism and macrocephaly. Last evaluated: 2024-01-23. Review status: criteria provided, single submitter. Criteria: ACMG Guidelines, 2015. Collection method: clinical testing. Allele origin: unknown. Inheritance: Autosomal dominant inheritance. Affected: yes.
Comment: Criteria applied: PM4,PM2